The following is an entry in ClinVar:

ClinVar aggregate classification (germline): Conflicting classifications of pathogenicity. Review status: criteria provided, conflicting classifications (1 of 4 stars). 5 submissions from 5 submitters: Uncertain significance (4); Likely benign (1). Last evaluated 2025-12-26.

Conditions:
Cardiomyopathy (CMYO). Also called: Cardiomyopathies. Identifiers: Orphanet 167848, MedGen C0878544, MONDO:0004994, HP:0001638. Inheritance: Various modes of inheritance.
Arrhythmogenic cardiomyopathy with wooly hair and keratoderma. Also called: Dilated cardiomyopathy with woolly hair and keratoderma; Arrhythmogenic cardiomyopathy with woolly hair and keratoderma; PALMOPLANTAR KERATODERMA WITH LEFT VENTRICULAR CARDIOMYOPATHY AND WOOLLY HAIR; Carvajal syndrome. Identifiers: Orphanet 65282, MedGen C1854063, MONDO:0011581, OMIM 605676.
Arrhythmogenic right ventricular dysplasia 8 (ARVD8). Also called: Arrhythmogenic Right Ventricular Dysplasia/Cardiomyopathy 8; ARRHYTHMOGENIC RIGHT VENTRICULAR DYSPLASIA, FAMILIAL, 8; ARRHYTHMOGENIC RIGHT VENTRICULAR CARDIOMYOPATHY 8. Identifiers: MedGen C1843896, MONDO:0011831, OMIM 607450.
Cardiovascular phenotype. Identifiers: MedGen CN230736.

Allele frequency attached by ClinVar (database versions not stated): ExAC 0.00001; gnomAD exomes 0.00002; TOPMed 0.00002; gnomAD 0.00003 and 0.00004.
gnomAD v4.1: 22 of 1,613,924 alleles (0.0014%); highest among the groups gnomAD compares: Admixed American, 0.025%; no homozygotes.

Submissions (5):

Color Diagnostics, LLC DBA Color Health
Classification: Uncertain significance for Cardiomyopathy. Last evaluated: 2025-12-26. Review status: criteria provided, single submitter. Criteria: ACMG Guidelines, 2015. Collection method: clinical testing. Allele origin: germline.
Comment: This missense variant replaces phenylalanine with tyrosine at codon 2695 of the DSP protein. Computational prediction suggests that this variant may not impact protein structure and function. To our knowledge, functional studies have not been reported for this variant. This variant has not been reported in individuals affected with cardiovascular disorders in the literature. This variant has been identified in 6/251354 chromosomes in the general population by the Genome Aggregation Database (gnomAD). The available evidence is insufficient to determine the role of this variant in disease conclusively. Therefore, this variant is classified as a Variant of Uncertain Significance.

Labcorp Genetics (formerly Invitae), Labcorp
Classification: Likely benign for Arrhythmogenic cardiomyopathy with wooly hair and keratoderma; Arrhythmogenic right ventricular dysplasia 8. Last evaluated: 2025-12-19. Review status: criteria provided, single submitter. Criteria: Invitae Variant Classification Sherloc (09022015). Collection method: clinical testing. Allele origin: germline.

Ambry Genetics
Classification: Uncertain significance for Cardiovascular phenotype. Last evaluated: 2025-04-15. Review status: criteria provided, single submitter. Criteria: Ambry Variant Classification Scheme 2023. Collection method: clinical testing. Allele origin: germline.
Comment: The p.F2695Y variant (also known as c.8084T>A), located in coding exon 24 of the DSP gene, results from a T to A substitution at nucleotide position 8084. The phenylalanine at codon 2695 is replaced by tyrosine, an amino acid with highly similar properties. This amino acid position is conserved. In addition, this alteration is predicted to be tolerated by in silico analysis. Since supporting evidence is limited at this time, the clinical significance of this alteration remains unclear.

All of Us Research Program, National Institutes of Health
Classification: Uncertain significance for Arrhythmogenic cardiomyopathy with wooly hair and keratoderma. Last evaluated: 2024-09-23. Review status: criteria provided, single submitter. Criteria: ACMG Guidelines, 2015. Collection method: clinical testing. Allele origin: germline. Inheritance: Autosomal dominant inheritance. Observed: 12 variant alleles, 12 heterozygotes.
Comment: This missense variant replaces phenylalanine with tyrosine at codon 2695 of the DSP protein. Computational prediction suggests that this variant may not impact protein structure and function (internally defined REVEL score threshold <= 0.5, PMID: 27666373). To our knowledge, functional studies have not been reported for this variant. This variant has not been reported in individuals affected with cardiovascular disorders in the literature. This variant has been identified in 6/251354 chromosomes in the general population by the Genome Aggregation Database (gnomAD). The available evidence is insufficient to determine the role of this variant in disease conclusively. Therefore, this variant is classified as a Variant of Uncertain Significance.

This study involves interpretation of variants in research participants for the purpose of population health screening. Participant phenotype was not available at the time of variant classification. Additional details can be found in publication PMID: 35346344, PMCID: PMC8962531

GeneDx
Classification: Uncertain significance. Last evaluated: 2023-11-27. Review status: criteria provided, single submitter. Criteria: GeneDx Variant Classification Process June 2021. Collection method: clinical testing. Allele origin: germline. Affected: yes.
Comment: Has not been previously published as pathogenic or benign to our knowledge; In silico analysis supports that this missense variant does not alter protein structure/function

NM_004415.4(DSP):c.8084T>A (p.Phe2695Tyr)

Gene: DSP (desmoplakin; plus strand). Cytogenetic location: 6p24.3.
Variant type: single nucleotide variant.
Coding change: c.8084T>A on transcript NM_004415.4 (MANE Select); coding-DNA position 8084, T replaced by A.
Protein change: p.Phe2695Tyr; replaces phenylalanine 2695 with tyrosine.
Molecular consequence: missense variant.
Genome position (GRCh38, 1-based): chr6:7,585,346, T>A. VCF-style: chr6-7585346-T-A. GRCh37 (hg19) VCF-style: chr6-7585579-T-A.
Other names: c.6287T>A, p.Phe2096Tyr (NM_001008844.3); c.6755T>A, p.Phe2252Tyr (NM_001319034.2); c.8084T>A (LRG_423t1); short protein forms F2695Y, F2252Y, F2096Y.
Identifiers: ClinVar variation 465914 (VCV000465914.18), dbSNP rs764994940, ClinGen allele CA051499.